The following is an entry in ClinVar:

NM_000059.4(BRCA2):c.7163C>T (p.Thr2388Ile)

Gene: BRCA2 (BRCA2 DNA repair associated; plus strand). Cytogenetic location: 13q13.1.
Variant type: single nucleotide variant.
Coding change: c.7163C>T on transcript NM_000059.4 (MANE Select); coding-DNA position 7163, C replaced by T.
Protein change: p.Thr2388Ile; replaces threonine 2388 with isoleucine.
Molecular consequence: missense variant.
Genome position (GRCh38, 1-based): chr13:32,355,016, C>T. VCF-style: chr13-32355016-C-T. GRCh37 (hg19) VCF-style: chr13-32929153-C-T.
Other names: short protein forms T2388I.
Identifiers: ClinVar variation 549717 (VCV000549717.10), dbSNP rs1555286026, ClinGen allele CA387739359.

ClinVar aggregate classification (germline): Uncertain significance. Review status: criteria provided, multiple submitters, no conflicts (2 of 4 stars). 5 submissions from 5 submitters: Uncertain significance (4). 1 of the submissions does not count toward it. Last evaluated 2025-09-09.

Conditions:
Prostate cancer. Also called: Malignant tumor of prostate. Identifiers: Orphanet 1331, MedGen C0376358, MONDO:0008315, HP:0012125.
Medulloblastoma (MDB). Also called: MEDULLOBLASTOMA PREDISPOSITION SYNDROME; Medulloblastoma, somatic. Identifiers: Orphanet 616, MedGen C0025149, MeSH D008527, MONDO:0007959, OMIM 155255, HP:0002885.
Familial cancer of breast. Also called: BREAST CANCER, FAMILIAL; Hereditary breast cancer; hereditary breast carcinoma. Identifiers: Orphanet 227535, MedGen C0346153, MONDO:0016419, OMIM 114480. Disease mechanism: loss of function.
Breast-ovarian cancer, familial, susceptibility to, 2 (BROVCA2). Also called: BRCA2 Hereditary Breast and Ovarian Cancer. Identifiers: Orphanet 145, MedGen C2675520, MONDO:0012933, OMIM 612555. Disease mechanism: loss of function.
Fanconi anemia complementation group D1. Also called: BRCA2-Related Fanconi Anemia. Identifiers: Orphanet 319462, MedGen C1838457, MONDO:0011584, OMIM 605724.
Wilms tumor 1 (WT1). Also called: Wilms tumor, somatic. Identifiers: Orphanet 654, MedGen CN033288, MONDO:0008679, OMIM 194070.
Pancreatic cancer, susceptibility to, 2. Identifiers: Orphanet 1333, MedGen C3150546, MONDO:0013235, OMIM 613347.
Glioma susceptibility 3 (GLM3). Also called: Glioblastoma 3. Identifiers: Orphanet 182067, Orphanet 360, MedGen C2751641, MONDO:0013093, OMIM 613029.
Hereditary breast ovarian cancer syndrome. Also called: Hereditary breast and ovarian cancer syndrome; Breast and ovarian cancer; Hereditary breast and/or ovarian cancer syndrome; Hereditary breast and ovarian cancer syndrome (HBOC); BRCA1- and BRCA2-Associated Hereditary Breast and Ovarian Cancer; Hereditary breast and ovarian cancer. Identifiers: Orphanet 145, MedGen C0677776, MeSH D061325, MONDO:0003582. Disease mechanism: loss of function.
Hereditary cancer-predisposing syndrome. Also called: Hereditary Cancer Syndrome; Hereditary neoplastic syndrome; Neoplastic Syndromes, Hereditary; Tumor predisposition. Identifiers: Orphanet 140162, MedGen C0027672, MeSH D009386, MONDO:0015356.

Submissions (5):

Ambry Genetics
Classification: Uncertain significance for Hereditary cancer-predisposing syndrome. Last evaluated: 2025-09-09. Review status: criteria provided, single submitter. Criteria: Ambry Variant Classification Scheme 2023. Collection method: clinical testing. Allele origin: germline.
Comment: The p.T2388I variant (also known as c.7163C>T), located in coding exon 13 of the BRCA2 gene, results from a C to T substitution at nucleotide position 7163. The threonine at codon 2388 is replaced by isoleucine, an amino acid with similar properties. This amino acid position is poorly conserved in available vertebrate species. In addition, this alteration is predicted to be tolerated by in silico analysis. Since supporting evidence is limited at this time, the clinical significance of this alteration remains unclear.

Labcorp Genetics (formerly Invitae), Labcorp
Classification: Uncertain significance for Hereditary breast ovarian cancer syndrome. Last evaluated: 2025-04-09. Review status: criteria provided, single submitter. Criteria: Invitae Variant Classification Sherloc (09022015). Collection method: clinical testing. Allele origin: germline.
Comment: This sequence change replaces threonine, which is neutral and polar, with isoleucine, which is neutral and non-polar, at codon 2388 of the BRCA2 protein (p.Thr2388Ile). This variant is not present in population databases (gnomAD no frequency). This variant has not been reported in the literature in individuals affected with BRCA2-related conditions. ClinVar contains an entry for this variant (Variation ID: 549717). Invitae Evidence Modeling of protein sequence and biophysical properties (such as structural, functional, and spatial information, amino acid conservation, physicochemical variation, residue mobility, and thermodynamic stability) indicates that this missense variant is not expected to disrupt BRCA2 protein function with a negative predictive value of 95%. In summary, the available evidence is currently insufficient to determine the role of this variant in disease. Therefore, it has been classified as a Variant of Uncertain Significance.

Color Diagnostics, LLC DBA Color Health
Classification: Uncertain significance for Hereditary cancer-predisposing syndrome. Last evaluated: 2024-03-18. Review status: criteria provided, single submitter. Criteria: ACMG Guidelines, 2015. Collection method: clinical testing. Allele origin: germline.
Comment: This missense variant replaces threonine with isoleucine at codon 2388 of the BRCA2 protein. Computational prediction suggests that this variant may not impact protein structure and function. To our knowledge, functional studies have not been reported for this variant. This variant has not been reported in individuals affected with BRCA2-related disorders in the literature, but this variant has been reported in unaffected individuals (PMID: 30287823, 31214711, 32980694). This variant has not been identified in the general population by the Genome Aggregation Database (gnomAD). The available evidence is insufficient to determine the role of this variant in disease conclusively. Therefore, this variant is classified as a Variant of Uncertain Significance.

Fulgent Genetics
Classification: Uncertain significance for Familial cancer of breast; Medulloblastoma; Familial prostate cancer; Wilms tumor 1; Fanconi anemia complementation group D1; Breast-ovarian cancer, familial, susceptibility to, 2; Glioma susceptibility 3; Pancreatic cancer, susceptibility to, 2. Last evaluated: 2022-03-09. Review status: criteria provided, single submitter. Criteria: ACMG Guidelines, 2015. Collection method: clinical testing. Allele origin: unknown.

True Health Diagnostics
Classification: Likely benign for Hereditary cancer-predisposing syndrome. Last evaluated: 2017-06-23. Review status: no assertion criteria provided. Collection method: clinical testing. Allele origin: germline. Not counted in ClinVar's aggregate classification.

Literature cited by the submitters: PubMed 30287823 (cited by Color Diagnostics, LLC DBA Color Health); PubMed 31214711 (cited by Color Diagnostics, LLC DBA Color Health); PubMed 32980694 (cited by Color Diagnostics, LLC DBA Color Health).